The following is an entry in ClinVar:

ClinVar aggregate classification (germline): Likely pathogenic (1 of 4 stars; one submission).

Conditions:
Arrhythmogenic right ventricular dysplasia 10. Also called: Arrhythmogenic Right Ventricular Dysplasia/Cardiomyopathy10; ARRHYTHMOGENIC RIGHT VENTRICULAR DYSPLASIA, FAMILIAL, 10; Arrhythmogenic right ventricular dysplasia/cardiomyopathy, type 10. Identifiers: MedGen C1857777, MONDO:0012434, OMIM 610193.

Submission:

Labcorp Genetics (formerly Invitae), Labcorp
Classification: Likely pathogenic for Arrhythmogenic right ventricular dysplasia 10. Last evaluated: 2024-10-04. Review status: criteria provided, single submitter. Criteria: Invitae Variant Classification Sherloc (09022015). Collection method: clinical testing. Allele origin: germline.
Comment: This variant results in the deletion of part of exon 1 (c.43_45+9del) of the DSG2 gene. It is expected to disrupt RNA splicing. Variants that disrupt the donor or acceptor splice site typically lead to a loss of protein function (PMID: 16199547), and loss-of-function variants in DSG2 are known to be pathogenic (PMID: 17105751, 31386562). This variant is not present in population databases (gnomAD no frequency). This variant has not been reported in the literature in individuals affected with DSG2-related conditions. In summary, the currently available evidence indicates that the variant is pathogenic, but additional data are needed to prove that conclusively. Therefore, this variant has been classified as Likely Pathogenic.

Literature cited by the submitters: PubMed 16199547; PubMed 17105751; PubMed 31386562.

NM_001943.5(DSG2):c.43_45+9del

Genes: DSG2 (desmoglein 2; plus strand), LOC130062340 (ATAC-STARR-seq lymphoblastoid silent region 9384; plus strand). Cytogenetic location: 18q12.1.
Variant type: Deletion.
Coding change: c.43_45+9del on transcript NM_001943.5 (MANE Select); coding-DNA position 43 through 9 bases into the intron after coding-DNA position 45, 12 bases deleted (CTGGTAAGTGCC).
Molecular consequence: splice donor variant.
Genome position (GRCh38, 1-based): chr18:31,498,294-31,498,305, CTGGTAAGTGCC deleted; deleting any 12 consecutive bases within chr18:31,498,293-31,498,305 gives the same sequence; the c. name uses the placement nearest the transcript's 3' end. VCF-style (leftmost placement, unchanged base first): chr18-31498292-TCCTGGTAAGTGC-T. GRCh37 (hg19) VCF-style: chr18-29078255-TCCTGGTAAGTGC-T.
Identifiers: ClinVar variation 3722234 (VCV003722234.2).